The following is an entry in ClinVar:

NM_001040142.2(SCN2A):c.1971C>T (p.Val657=)

Gene: SCN2A (sodium voltage-gated channel alpha subunit 2; plus strand). Cytogenetic location: 2q24.3.
Variant type: single nucleotide variant.
Coding change: c.1971C>T on transcript NM_001040142.2 (MANE Select); coding-DNA position 1971, C replaced by T.
Protein change: p.Val657=; no amino-acid change (valine 657 retained).
Molecular consequence: synonymous variant.
Genome position (GRCh38, 1-based): chr2:165,323,455, C>T. VCF-style: chr2-165323455-C-T. GRCh37 (hg19) VCF-style: chr2-166179965-C-T.
Other names: p.V657V:GTC>GTT; c.1971C>T, p.Val657= (NM_001040143.2, NM_001371246.1, NM_001371247.1 and 1 more transcripts).
Identifiers: ClinVar variation 139030 (VCV000139030.17), dbSNP rs149230197, ClinGen allele CA293291.

ClinVar aggregate classification (germline): Benign/Likely benign. Review status: criteria provided, multiple submitters, no conflicts (2 of 4 stars). 6 submissions from 6 submitters: Benign (1); Likely benign (5). Last evaluated 2025-12-01.

Conditions:
Inborn genetic diseases. Identifiers: MedGen C0950123, MeSH D030342.
Seizures, benign familial infantile, 3 (BFIS3). Also called: CONVULSIONS, BENIGN FAMILIAL INFANTILE, 3; Familial neonatal seizures. Identifiers: Orphanet 140927, Orphanet 306, MedGen C1843140, MONDO:0011904, OMIM 607745.
Developmental and epileptic encephalopathy, 11 (DEE11). Also called: Early infantile epileptic encephalopathy 11. Identifiers: Orphanet 1934, MedGen C3150987, MONDO:0013388, OMIM 613721.

Allele frequency attached by ClinVar (database versions not stated): gnomAD 0.00001; TOPMed 0.00001.
gnomAD v4.1: 27 of 1,613,766 alleles (0.0017%); highest among the groups gnomAD compares: South Asian, 0.019%; no homozygotes.

Submissions (6):

Women's Health and Genetics/Laboratory Corporation of America, LabCorp
Classification: Likely benign. Last evaluated: 2025-12-01. Review status: criteria provided, single submitter. Criteria: LabCorp Variant Classification Summary - May 2015. Collection method: clinical testing. Allele origin: germline.

Blueprint Genetics
Classification: Likely benign. Last evaluated: 2024-10-03. Review status: criteria provided, single submitter. Criteria: ACMG Guidelines, 2015. Collection method: clinical testing. Allele origin: germline.

Labcorp Genetics (formerly Invitae), Labcorp
Classification: Likely benign for Seizures, benign familial infantile, 3; Developmental and epileptic encephalopathy, 11. Last evaluated: 2024-01-07. Review status: criteria provided, single submitter. Criteria: Invitae Variant Classification Sherloc (09022015). Collection method: clinical testing. Allele origin: germline.

Ambry Genetics
Classification: Likely benign for Inborn genetic diseases. Last evaluated: 2018-11-28. Review status: criteria provided, single submitter. Criteria: Ambry Variant Classification Scheme 2023. Collection method: clinical testing. Allele origin: germline.

Genetic Services Laboratory, University of Chicago
Classification: Likely benign. Last evaluated: 2017-07-26. Review status: criteria provided, single submitter. Criteria: ACMG Guidelines, 2015. Collection method: clinical testing. Allele origin: germline. Affected: no.

GeneDx
Classification: Benign. Last evaluated: 2013-11-12. Review status: criteria provided, single submitter. Criteria: GeneDx Variant Classification (06012015). Collection method: clinical testing. Allele origin: germline. Affected: yes.
Comment: This variant is considered likely benign or benign based on one or more of the following criteria: it is a conservative change, it occurs at a poorly conserved position in the protein, it is predicted to be benign by multiple in silico algorithms, and/or has population frequency not consistent with disease.